The following is an entry in ClinVar:

ClinVar aggregate classification (germline): Pathogenic. Review status: criteria provided, multiple submitters, no conflicts (2 of 4 stars). 2 submissions from 2 submitters: Pathogenic (2). Last evaluated 2026-03-06.

Conditions:
Loeys-Dietz syndrome 4 (LDS4). Also called: ANEURYSM, AORTIC AND CEREBRAL, WITH ARTERIAL TORTUOSITY AND SKELETAL MANIFESTATIONS; TGFB2-Related Loeys-Dietz Syndrome. Identifiers: MedGen C3553762, MONDO:0013897, OMIM 614816.

Submissions (2):

GeneDx
Classification: Pathogenic. Last evaluated: 2026-03-06. Review status: criteria provided, single submitter. Criteria: GeneDx Variant Classification Process June 2021. Collection method: clinical testing. Allele origin: germline.
Comment: Nonsense variant predicted to result in protein truncation or nonsense mediated decay in a gene for which loss of function is a known mechanism of disease; Not observed at significant frequency in large population cohorts (gnomAD); Has not been previously published as pathogenic or benign to our knowledge

Labcorp Genetics (formerly Invitae), Labcorp
Classification: Pathogenic for Loeys-Dietz syndrome 4. Last evaluated: 2023-05-13. Review status: criteria provided, single submitter. Criteria: Invitae Variant Classification Sherloc (09022015). Collection method: clinical testing. Allele origin: germline.
Comment: For these reasons, this variant has been classified as Pathogenic. ClinVar contains an entry for this variant (Variation ID: 950539). This variant has not been reported in the literature in individuals affected with TGFB2-related conditions. This variant is not present in population databases (gnomAD no frequency). This sequence change creates a premature translational stop signal (p.Tyr308*) in the TGFB2 gene. It is expected to result in an absent or disrupted protein product. Loss-of-function variants in TGFB2 are known to be pathogenic (PMID: 22772368, 22772371, 30739908).

Literature cited by the submitters: PubMed 22772368 (cited by Labcorp Genetics (formerly Invitae), Labcorp); PubMed 22772371 (cited by Labcorp Genetics (formerly Invitae), Labcorp); PubMed 30739908 (cited by Labcorp Genetics (formerly Invitae), Labcorp).

NM_003238.6(TGFB2):c.918_923dup (p.Tyr308Ter)

Gene: TGFB2 (transforming growth factor beta 2; plus strand). Cytogenetic location: 1q41.
Variant type: Duplication.
Coding change: c.918_923dup on transcript NM_003238.6 (MANE Select); coding-DNA positions 918 to 923, 6 bases duplicated (GGCCTA; older notation c.918_923dupGGCCTA).
Protein change: p.Tyr308Ter; replaces tyrosine 308 with a stop codon.
Molecular consequence: nonsense. On other transcripts: non-coding transcript variant (2).
Genome position (GRCh38, 1-based): chr1:218,436,133-218,436,138, GGCCTA duplicated. VCF-style (leftmost placement, unchanged base first): chr1-218436132-C-CGGCCTA. GRCh37 (hg19) VCF-style: chr1-218609474-C-CGGCCTA.
Other names: c.1002_1007dup, p.Tyr336Ter (NM_001135599.4); short protein forms Y336*, Y308*.
Identifiers: ClinVar variation 950539 (VCV000950539.12), dbSNP rs1659965467, ClinGen allele CA1139656598.